The following is an entry in ClinVar:

ClinVar aggregate classification (germline): Conflicting classifications of pathogenicity. Review status: criteria provided, conflicting classifications (1 of 4 stars). 2 submissions from 2 submitters: Uncertain significance (1); Likely benign (1). Last evaluated 2025-11-27.

Allele frequency attached by ClinVar (database versions not stated): TOPMed 0.00131; gnomAD exomes 0.00008 and 0.00017; 1000 Genomes Project 0.00020; 1000 Genomes Project 30x 0.00094; gnomAD 0.00100 and 0.00109.
gnomAD v4.1: 251 of 1,330,114 alleles (0.019%); highest among the groups gnomAD compares: African/African-American, 0.35%; 1 homozygote.

Submissions (2):

Labcorp Genetics (formerly Invitae), Labcorp
Classification: Uncertain significance. Last evaluated: 2025-11-27. Review status: criteria provided, single submitter. Criteria: Invitae Variant Classification Sherloc (09022015). Collection method: clinical testing. Allele origin: germline.
Comment: This sequence change replaces threonine, which is neutral and polar, with isoleucine, which is neutral and non-polar, at codon 206 of the TPRN protein (p.Thr206Ile). The frequency data for this variant in the population databases is considered unreliable, as metrics indicate poor data quality at this position in the gnomAD database. This variant has not been reported in the literature in individuals affected with TPRN-related conditions. ClinVar contains an entry for this variant (Variation ID: 1186098). Invitae Evidence Modeling of protein sequence and biophysical properties (such as structural, functional, and spatial information, amino acid conservation, physicochemical variation, residue mobility, and thermodynamic stability) indicates that this missense variant is not expected to disrupt TPRN protein function with a negative predictive value of 80%. In summary, the available evidence is currently insufficient to determine the role of this variant in disease. Therefore, it has been classified as a Variant of Uncertain Significance.

GeneDx
Classification: Likely benign. Last evaluated: 2022-04-12. Review status: criteria provided, single submitter. Criteria: GeneDx Variant Classification Process June 2021. Collection method: clinical testing. Allele origin: germline. Affected: yes.
Comment: See Variant Classification Assertion Criteria.

NM_001128228.3(TPRN):c.617C>T (p.Thr206Ile)

Gene: TPRN (taperin; minus strand). Cytogenetic location: 9q34.3.
Variant type: single nucleotide variant.
Coding change: c.617C>T on transcript NM_001128228.3 (MANE Select); coding-DNA position 617, C replaced by T.
Protein change: p.Thr206Ile; replaces threonine 206 with isoleucine.
Molecular consequence: missense variant.
Genome position (GRCh38, 1-based): chr9:137,200,095, G>A on the plus strand (C>T on the coding strand, the complement: TPRN is on the minus strand). VCF-style: chr9-137200095-G-A. GRCh37 (hg19) VCF-style: chr9-140094547-G-A.
Other names: short protein forms T206I.
Identifiers: ClinVar variation 1186098 (VCV001186098.7), dbSNP rs576809784, ClinGen allele CA201721314.